The following is an entry in ClinVar:

ClinVar aggregate classification (germline): Uncertain significance. Review status: criteria provided, multiple submitters, no conflicts (2 of 4 stars). 2 submissions from 2 submitters: Uncertain significance (2). Last evaluated 2024-01-19.

Conditions:
Wilms tumor 1 (WT1). Also called: Wilms tumor, somatic. Identifiers: Orphanet 654, MedGen CN033288, MONDO:0008679, OMIM 194070.

Submissions (2):

GeneDx
Classification: Uncertain significance. Last evaluated: 2024-01-19. Review status: criteria provided, single submitter. Criteria: GeneDx Variant Classification Process June 2021. Collection method: clinical testing. Allele origin: germline. Affected: yes.
Comment: Not observed at significant frequency in large population cohorts (gnomAD); In silico analysis supports that this missense variant does not alter protein structure/function; Has not been previously published as pathogenic or benign to our knowledge

Labcorp Genetics (formerly Invitae), Labcorp
Classification: Uncertain significance for Wilms tumor 1. Last evaluated: 2021-01-11. Review status: criteria provided, single submitter. Criteria: Invitae Variant Classification Sherloc (09022015). Collection method: clinical testing. Allele origin: germline.
Comment: In summary, the available evidence is currently insufficient to determine the role of this variant in disease. Therefore, it has been classified as a Variant of Uncertain Significance. Algorithms developed to predict the effect of missense changes on protein structure and function are either unavailable or do not agree on the potential impact of this missense change (SIFT: "Deleterious"; PolyPhen-2: "Possibly Damaging"; Align-GVGD: "Class C0"). This variant has not been reported in the literature in individuals with GPC3-related conditions. This variant is not present in population databases (ExAC no frequency). This sequence change replaces aspartic acid with asparagine at codon 165 of the GPC3 protein (p.Asp165Asn). The aspartic acid residue is highly conserved and there is a small physicochemical difference between aspartic acid and asparagine.

NM_004484.4(GPC3):c.493G>A (p.Asp165Asn)

Gene: GPC3 (glypican 3; minus strand). Cytogenetic location: Xq26.2.
Variant type: single nucleotide variant.
Coding change: c.493G>A on transcript NM_004484.4 (MANE Select); coding-DNA position 493, G replaced by A.
Protein change: p.Asp165Asn; replaces aspartic acid 165 with asparagine.
Molecular consequence: missense variant.
Genome position (GRCh38, 1-based): chrX:133,754,021, C>T on the plus strand (G>A on the coding strand, the complement: GPC3 is on the minus strand). VCF-style: chrX-133754021-C-T. GRCh37 (hg19) VCF-style: chrX-132888048-C-T.
Other names: c.493G>A, p.Asp165Asn (NM_001164617.2); c.445G>A, p.Asp149Asn (NM_001164618.2); c.331G>A, p.Asp111Asn (NM_001164619.2); c.493G>A (NM_004484.3); short protein forms D111N, D149N, D165N.
Identifiers: ClinVar variation 1352030 (VCV001352030.11), dbSNP rs2124480689, ClinGen allele CA414706507.
Genomic context (GRCh38, chrX:133,754,021, plus strand): 5'-GGTTCATTAGCTGGGTATAGATGACTGGAAACAGGCTGTCAAACAATTCATTGACCATGT[C>T]ATCTACATTGATGTCAGAACCCAAGATGTAGAGAGACACATCTGTGAAAAATTCACCCAC-3'
Protein context (NP_004475.1, residues 155-175): YILGSDINVD[Asp165Asn]MVNELFDSLF